The following is an entry in ClinVar:

NM_001271.4(CHD2):c.3602G>A (p.Gly1201Glu)

Gene: CHD2 (chromodomain helicase DNA binding protein 2; plus strand). Cytogenetic location: 15q26.1.
Variant type: single nucleotide variant.
Coding change: c.3602G>A on transcript NM_001271.4 (MANE Select); coding-DNA position 3602, G replaced by A.
Protein change: p.Gly1201Glu; replaces glycine 1201 with glutamic acid.
Molecular consequence: missense variant.
Genome position (GRCh38, 1-based): chr15:92,996,963, G>A. VCF-style: chr15-92996963-G-A. GRCh37 (hg19) VCF-style: chr15-93540193-G-A.
Other names: short protein forms G1201E.
Identifiers: ClinVar variation 954885 (VCV000954885.10), dbSNP rs2054196855, ClinGen allele CA393897496.
Genomic context (GRCh38, chr15:92,996,963, plus strand): 5'-CTGTGGAACTTCTGCAGATTTTCATTTAACTAATGTGAAACTGGTATTTTTCAGGAAAAG[G>A]ACCAGGGAAAAGGAGAGGTCCAACAATCAAGATATCCGGAGTTCAGGTTAATGTGAAATC-3'
Protein context (NP_001262.3, residues 1191-1211): QLKENASEGK[Gly1201Glu]PGKRRGPTIK

ClinVar aggregate classification (germline): Uncertain significance (1 of 4 stars; one submission).

Conditions:
Developmental and epileptic encephalopathy 94 (DEE94). Also called: CHD2-Related Neurodevelopmental Disorders; Epileptic encephalopathy, childhood-onset. Identifiers: Orphanet 1942, Orphanet 2382, MedGen C3809278, MONDO:0014150, OMIM 615369.

Allele frequency attached by ClinVar (database versions not stated): TOPMed below 0.00001.

Submission:

Labcorp Genetics (formerly Invitae), Labcorp
Classification: Uncertain significance for Developmental and epileptic encephalopathy 94. Last evaluated: 2025-05-05. Review status: criteria provided, single submitter. Criteria: Invitae Variant Classification Sherloc (09022015). Collection method: clinical testing. Allele origin: germline.
Comment: This sequence change replaces glycine, which is neutral and non-polar, with glutamic acid, which is acidic and polar, at codon 1201 of the CHD2 protein (p.Gly1201Glu). This variant is not present in population databases (gnomAD no frequency). This variant has not been reported in the literature in individuals affected with CHD2-related conditions. ClinVar contains an entry for this variant (Variation ID: 954885). Invitae Evidence Modeling of protein sequence and biophysical properties (such as structural, functional, and spatial information, amino acid conservation, physicochemical variation, residue mobility, and thermodynamic stability) indicates that this missense variant is not expected to disrupt CHD2 protein function with a negative predictive value of 95%. In summary, the available evidence is currently insufficient to determine the role of this variant in disease. Therefore, it has been classified as a Variant of Uncertain Significance.